The following is an entry in ClinVar:

ClinVar aggregate classification (germline): Uncertain significance (1 of 4 stars; one submission).

Conditions:
Congenital myasthenic syndrome 8. Also called: MYASTHENIC SYNDROME, CONGENITAL, DUE TO AGRIN DEFICIENCY; Myasthenic syndrome, congenital, 8, with pre- and postsynaptic defects. Identifiers: Orphanet 590, MedGen C3808739, MONDO:0014052, OMIM 615120.

Submission:

Neuberg Centre For Genomic Medicine, NCGM
Classification: Uncertain significance for Congenital myasthenic syndrome 8. Review status: criteria provided, single submitter. Criteria: ACMG Guidelines, 2015. Collection method: clinical testing. Allele origin: germline. Inheritance: Autosomal recessive inheritance. Affected: yes.
Comment: The observed missense c.5132C>A (p.Ala1711Glu) variant in AGRN gene has not been reported previously as a pathogenic variant nor as a benign variant, to our knowledge. The p.Ala1711Glu variant is absent in gnomAD exomes database. This variant has not been submitted to the ClinVar database. The amino acid change p.Ala1711Glu in AGRN is predicted as conserved by GERP++ and PhyloP across 100 vertebrates. The amino acid Ala at position 1711 is changed to a Glu changing protein sequence and it might alter its composition and physico-chemical properties. Multiple lines of computational evidence predicts damaging effect on protein structure and function for this variant (Sift - Damaging; Mutation Taster - disease_causing). Additional studies will be required to prove the pathogenicity of this variant. For these reasons, this variant has been classified as a Variant of Uncertain Significance (VUS).

NM_198576.4(AGRN):c.5132C>A (p.Ala1711Glu)

Gene: AGRN (agrin; plus strand). Cytogenetic location: 1p36.33.
Variant type: single nucleotide variant.
Coding change: c.5132C>A on transcript NM_198576.4 (MANE Select); coding-DNA position 5132, C replaced by A.
Protein change: p.Ala1711Glu; replaces alanine 1711 with glutamic acid.
Molecular consequence: missense variant.
Genome position (GRCh38, 1-based): chr1:1,050,582, C>A. VCF-style: chr1-1050582-C-A. GRCh37 (hg19) VCF-style: chr1-985962-C-A.
Other names: c.5132C>A, p.Ala1711Glu (NM_001305275.2); c.4817C>A, p.Ala1606Glu (NM_001364727.2); short protein forms A1606E, A1711E.
Identifiers: ClinVar variation 3242115 (VCV003242115.1), dbSNP rs749228236.